The following is an entry in ClinVar:

NM_000824.5(GLRB):c.904+4A>G

Gene: GLRB (glycine receptor beta; plus strand). Cytogenetic location: 4q32.1.
Variant type: single nucleotide variant.
Coding change: c.904+4A>G on transcript NM_000824.5 (MANE Select); 4 bases into the intron after coding-DNA position 904, A replaced by G.
Molecular consequence: intron variant.
Genome position (GRCh38, 1-based): chr4:157,143,963, A>G. VCF-style: chr4-157143963-A-G. GRCh37 (hg19) VCF-style: chr4-158065115-A-G.
Other names: c.904+4A>G (NM_001166061.2, NM_001166060.2).
Identifiers: ClinVar variation 347922 (VCV000347922.15), dbSNP rs76714257, ClinGen allele CA3119891.

ClinVar aggregate classification (germline): Benign/Likely benign. Review status: criteria provided, multiple submitters, no conflicts (2 of 4 stars). 2 submissions from 2 submitters: Benign (1); Likely benign (1). Last evaluated 2026-02-03.

Conditions:
Hyperekplexia 2 (HKPX2). Identifiers: Orphanet 3197, MedGen C3553291, MONDO:0013828, OMIM 614619.

Allele frequency attached by ClinVar (database versions not stated): 1000 Genomes Project 30x 0.00016.
gnomAD v4.1: 1,486 of 1,613,592 alleles (0.092%); highest among the groups gnomAD compares: Non-Finnish European, 0.11%; 3 homozygotes.

Submissions (3):

Labcorp Genetics (formerly Invitae), Labcorp
Classification: Likely benign for Hyperekplexia 2. Last evaluated: 2026-02-03. Review status: criteria provided, single submitter. Criteria: Invitae Variant Classification Sherloc (09022015). Collection method: clinical testing. Allele origin: germline.

Illumina Laboratory Services, Illumina
Classification: Benign for Hyperekplexia 2. Last evaluated: 2018-01-12. Review status: criteria provided, single submitter. Criteria: ICSL Variant Classification Criteria 13 December 2019. Collection method: clinical testing. Allele origin: germline.
Comment: This variant was observed in the ICSL laboratory as part of a predisposition screen in an ostensibly healthy population. It had not been previously curated by ICSL or reported in the Human Gene Mutation Database (HGMD: prior to June 1st, 2018), and was therefore a candidate for classification through an automated scoring system. Utilizing variant allele frequency, disease prevalence and penetrance estimates, and inheritance mode, an automated score was calculated to assess if this variant is too frequent to cause the disease. Based on the score and internal cut-off values, a variant classified as benign is not then subjected to further curation. The score for this variant resulted in a classification of benign for this disease.

Dr. Peter K. Rogan Lab, Western University
No classification provided (evidence only). Condition: Gastric cancer. Review status: no classification provided. Collection method: in vitro. Allele origin: not applicable. Functional consequence: retained intron. Not counted in ClinVar's aggregate classification.